The following is an entry in ClinVar:

ClinVar aggregate classification (germline): Uncertain significance (1 of 4 stars; one submission).

gnomAD v4.1: 1 of 1,606,914 alleles (0.000062%); highest among the groups gnomAD compares: Non-Finnish European, 0.000085%; no homozygotes.

Submission:

Mayo Clinic Laboratories, Mayo Clinic
Classification: Uncertain significance. Last evaluated: 2025-10-08. Review status: criteria provided, single submitter. Criteria: ACMG Guidelines, 2015. Collection method: clinical testing. Allele origin: germline. Observed: 1 variant allele.
Comment: PM2_supporting

NM_004991.4(MECOM):c.979-7C>T

Gene: MECOM (MDS1 and EVI1 complex locus; minus strand). Cytogenetic location: 3q26.2.
Variant type: single nucleotide variant.
Coding change: c.979-7C>T on transcript NM_004991.4 (MANE Select); 7 bases into the intron before coding-DNA position 979, C replaced by T.
Molecular consequence: intron variant.
Genome position (GRCh38, 1-based): chr3:169,121,216, G>A on the plus strand (C>T on the coding strand, the complement: MECOM is on the minus strand). VCF-style: chr3-169121216-G-A. GRCh37 (hg19) VCF-style: chr3-168839004-G-A.
Other names: p.?; c.415-7C>T (NM_001205194.2, NM_001366474.2, NM_001164000.2 and 5 more transcripts); c.979-7C>T (NM_001366473.2, NM_001366466.2); c.415-4C>T (NM_001366470.2, NM_001366467.2, NM_001366468.2 and 1 more transcripts); c.607-4C>T (NM_001105077.4).
Identifiers: ClinVar variation 4540947 (VCV004540947.1).